The following is an entry in ClinVar:

NM_006739.4(MCM5):c.1925G>A (p.Arg642Gln)

Gene: MCM5 (minichromosome maintenance complex component 5; plus strand). Cytogenetic location: 22q12.3.
Variant type: single nucleotide variant.
Coding change: c.1925G>A on transcript NM_006739.4 (MANE Select); coding-DNA position 1925, G replaced by A.
Protein change: p.Arg642Gln; replaces arginine 642 with glutamine.
Molecular consequence: missense variant.
Genome position (GRCh38, 1-based): chr22:35,421,410, G>A. VCF-style: chr22-35421410-G-A. GRCh37 (hg19) VCF-style: chr22-35817403-G-A.
Other names: c.1925G>A (NM_006739.3); short protein forms R642Q.
Identifiers: ClinVar variation 1443505 (VCV001443505.9), dbSNP rs189808484, ClinGen allele CA10205560.
Genomic context (GRCh38, chr22:35,421,410, plus strand): 5'-CCCTCAGCAAGATGAAGCTGCAGCCCTTCGCCACAGAGGCAGATGTGGAGGAGGCCCTGC[G>A]GCTCTTCCAAGTGTCCACGTTGGATGCTGCCTTGTCCGGTACCCTGTCAGGTGAGCAGAT-3'
Protein context (NP_006730.2, residues 632-652): ATEADVEEAL[Arg642Gln]LFQVSTLDAA

ClinVar aggregate classification (germline): Uncertain significance. Review status: criteria provided, multiple submitters, no conflicts (2 of 4 stars). 2 submissions from 2 submitters: Uncertain significance (2). Last evaluated 2025-11-19.

Allele frequency attached by ClinVar (database versions not stated): gnomAD exomes 0.00001 and 0.00003; ExAC 0.00002; gnomAD 0.00009; 1000 Genomes Project 30x 0.00062; 1000 Genomes Project 0.00080.
gnomAD v4.1: 36 of 1,614,168 alleles (0.0022%); highest among the groups gnomAD compares: Admixed American, 0.025%; no homozygotes.

Submissions (2):

Ambry Genetics
Classification: Uncertain significance. Last evaluated: 2025-11-19. Review status: criteria provided, single submitter. Criteria: Ambry Variant Classification Scheme 2023. Collection method: clinical testing. Allele origin: germline.

Labcorp Genetics (formerly Invitae), Labcorp
Classification: Uncertain significance. Last evaluated: 2025-03-26. Review status: criteria provided, single submitter. Criteria: Invitae Variant Classification Sherloc (09022015). Collection method: clinical testing. Allele origin: germline.
Comment: This sequence change replaces arginine, which is basic and polar, with glutamine, which is neutral and polar, at codon 642 of the MCM5 protein (p.Arg642Gln). This variant is present in population databases (rs189808484, gnomAD 0.01%). This variant has not been reported in the literature in individuals affected with MCM5-related conditions. ClinVar contains an entry for this variant (Variation ID: 1443505). Invitae Evidence Modeling of protein sequence and biophysical properties (such as structural, functional, and spatial information, amino acid conservation, physicochemical variation, residue mobility, and thermodynamic stability) has been performed for this missense variant. However, the output from this modeling did not meet the statistical confidence thresholds required to predict the impact of this variant on MCM5 protein function. In summary, the available evidence is currently insufficient to determine the role of this variant in disease. Therefore, it has been classified as a Variant of Uncertain Significance.